The following is an entry in ClinVar:

NM_001367873.1(SOX6):c.536-1G>A

Gene: SOX6 (SRY-box transcription factor 6; minus strand). Cytogenetic location: 11p15.2.
Variant type: single nucleotide variant.
Coding change: c.536-1G>A on transcript NM_001367873.1 (MANE Select); the canonical splice acceptor site of the intron before coding-DNA position 536, G replaced by A.
Molecular consequence: splice acceptor variant.
Genome position (GRCh38, 1-based): chr11:16,186,956, C>T on the plus strand (G>A on the coding strand, the complement: SOX6 is on the minus strand). VCF-style: chr11-16186956-C-T. GRCh37 (hg19) VCF-style: chr11-16208502-C-T.
Other names: c.536-1G>A (NM_001367872.1, NM_033326.3, NM_001145811.2 and 2 more transcripts).
Identifiers: ClinVar variation 4854609 (VCV004854609.1).

ClinVar aggregate classification (germline): Likely pathogenic (1 of 4 stars; one submission).

Conditions:
Tolchin-Le Caignec syndrome. Also called: INTELLECTUAL DEVELOPMENTAL DISORDER WITH BEHAVIORAL ABNORMALITIES AND VARIABLE BONE DEFECTS. Identifiers: MedGen C5436509, MONDO:0033544, OMIM 618971.

Submission:

3billion
Classification: Likely pathogenic for Tolchin-Le Caignec syndrome. Last evaluated: 2025-06-11. Review status: criteria provided, single submitter. Criteria: ACMG Guidelines, 2015. Collection method: clinical testing. Allele origin: germline. Affected: yes.
Comment: The variant is not observed in the gnomAD v4.1.0 dataset. Predicted Consequence/Location: Canonical splice site: predicted to alter splicing and result in a loss or disruption of normal protein function. Multiple pathogenic loss-of-function variants are reported downstream of the variant. Therefore, this variant is classified as Likely pathogenic according to the recommendation of ACMG/AMP guideline.